The following is an entry in ClinVar:

NC_000003.11:g.(?_53125899)_(53215768_?)dup

Genes: PRKCD (protein kinase C delta; plus strand), RFT1 (RFT1 glycolipid translocator homolog; minus strand). Cytogenetic location: 3p21.1.
Variant type: Duplication.
Identifiers: ClinVar variation 1011310 (VCV001011310.5).

ClinVar aggregate classification (germline): Uncertain significance (1 of 4 stars; one submission).

Conditions:
Autoimmune lymphoproliferative syndrome, type III caused by mutation in PRKCD. Identifiers: Orphanet 3261, Orphanet 664711, MedGen C3809928, MONDO:8000024, OMIM 615559.

Submission:

Labcorp Genetics (formerly Invitae), Labcorp
Classification: Uncertain significance for Autoimmune lymphoproliferative syndrome, type III caused by mutation in PRKCD. Last evaluated: 2020-06-18. Review status: criteria provided, single submitter. Criteria: Invitae Variant Classification Sherloc (09022015). Collection method: clinical testing. Allele origin: germline.
Comment: In summary, the available evidence is currently insufficient to determine the role of this variant in disease. Therefore, it has been classified as a Variant of Uncertain Significance. Experimental studies and prediction algorithms are not available or were not evaluated, and the functional significance of this variant is currently unknown. This variant has not been reported in the literature in individuals with PRKCD-related conditions. This variant results in a copy number gain of the genomic region encompassing exon(s) 1-7 of the PRKCD gene, which includes the initiator codon. The 5' end of this event is unknown as it extends beyond the assayed region for this gene and therefore may encompass additional genes. The 3' boundary is likely confined to intron 7 of the PRKCD gene. As the precise location of this event is unknown, it may be in tandem or it may be located elsewhere in the genome.